The following is an entry in ClinVar:

ClinVar aggregate classification (germline): Benign/Likely benign. Review status: criteria provided, multiple submitters, no conflicts (2 of 4 stars). 6 submissions from 6 submitters: Benign (5); Likely benign (1). Last evaluated 2026-02-04.

Conditions:
Inflammatory bowel disease 28. Also called: Inflammatory bowel disease 28, early onset, autosomal recessive. Identifiers: Orphanet 238569, MedGen C2751053, MONDO:0013153, OMIM 613148.

Allele frequency attached by ClinVar (database versions not stated): ExAC 0.11291; gnomAD exomes 0.11508; ESP Exome Variant Server 0.12352; gnomAD 0.12433 and 0.12518; 1000 Genomes Project 0.12560; 1000 Genomes Project 30x 0.12680; TOPMed 0.12932.
gnomAD v4.1: 179,133 of 1,613,030 alleles (11%); highest among the groups gnomAD compares: Admixed American, 18%; 10,416 homozygotes.

Submissions (6):

Labcorp Genetics (formerly Invitae), Labcorp
Classification: Benign for Inflammatory bowel disease 28. Last evaluated: 2026-02-04. Review status: criteria provided, single submitter. Criteria: Invitae Variant Classification Sherloc (09022015). Collection method: clinical testing. Allele origin: germline.

Blueprint Genetics
Classification: Likely benign. Last evaluated: 2024-11-27. Review status: criteria provided, single submitter. Criteria: ACMG Guidelines, 2015. Collection method: clinical testing. Allele origin: germline.

Unidad de Genómica Garrahan, Hospital de Pediatría Garrahan
Classification: Benign. Last evaluated: 2023-11-12. Review status: criteria provided, single submitter. Criteria: ACMG Guidelines, 2015. Collection method: clinical testing. Allele origin: germline. Affected: no. Observed: 29 variant alleles.
Comment: This variant is classified as Benign based on local population frequency. This variant was detected in 30% of patients studied by a panel of primary immunodeficiencies. Number of patients: 29. Only high quality variants are reported.

Mayo Clinic Laboratories, Mayo Clinic
Classification: Benign. Last evaluated: 2018-05-25. Review status: criteria provided, single submitter. Criteria: ACMG Guidelines, 2015. Collection method: clinical testing. Allele origin: germline. Observed: 284 variant alleles.

Illumina Laboratory Services, Illumina
Classification: Benign for Inflammatory bowel disease 28. Last evaluated: 2018-01-13. Review status: criteria provided, single submitter. Criteria: ICSL Variant Classification Criteria 13 December 2019. Collection method: clinical testing. Allele origin: germline.
Comment: This variant was observed in the ICSL laboratory as part of a predisposition screen in an ostensibly healthy population. It had not been previously curated by ICSL or reported in the Human Gene Mutation Database (HGMD: prior to June 1st, 2018), and was therefore a candidate for classification through an automated scoring system. Utilizing variant allele frequency, disease prevalence and penetrance estimates, and inheritance mode, an automated score was calculated to assess if this variant is too frequent to cause the disease. Based on the score and internal cut-off values, a variant classified as benign is not then subjected to further curation. The score for this variant resulted in a classification of benign for this disease.

Breakthrough Genomics
Classification: Benign. Review status: criteria provided, single submitter. Criteria: ACMG Guidelines, 2015. Collection method: not provided. Allele origin: germline. Inheritance: Autosomal recessive inheritance. Affected: yes.

NM_001558.4(IL10RA):c.180G>A (p.Ala60=)

Gene: IL10RA (interleukin 10 receptor subunit alpha; plus strand). Cytogenetic location: 11q23.3.
Variant type: single nucleotide variant.
Coding change: c.180G>A on transcript NM_001558.4 (MANE Select); coding-DNA position 180, G replaced by A.
Protein change: p.Ala60=; no amino-acid change (alanine 60 retained).
Molecular consequence: synonymous variant. On other transcripts: non-coding transcript variant (1).
Genome position (GRCh38, 1-based): chr11:117,988,494, G>A. VCF-style: chr11-117988494-G-A. GRCh37 (hg19) VCF-style: chr11-117859209-G-A.
Other names: p.Ala60=.
Identifiers: ClinVar variation 302538 (VCV000302538.18), dbSNP rs4252249, ClinGen allele CA6298849.